The following is an entry in ClinVar:

ClinVar aggregate classification (germline): Pathogenic (1 of 4 stars; one submission).

Conditions:
Loeys-Dietz syndrome 4 (LDS4). Also called: ANEURYSM, AORTIC AND CEREBRAL, WITH ARTERIAL TORTUOSITY AND SKELETAL MANIFESTATIONS; TGFB2-Related Loeys-Dietz Syndrome. Identifiers: MedGen C3553762, MONDO:0013897, OMIM 614816.

Submission:

Labcorp Genetics (formerly Invitae), Labcorp
Classification: Pathogenic for Loeys-Dietz syndrome 4. Last evaluated: 2020-07-13. Review status: criteria provided, single submitter. Criteria: Invitae Variant Classification Sherloc (09022015). Collection method: clinical testing. Allele origin: germline.
Comment: This sequence change results in a premature translational stop signal in the TGFB2 gene (p.Asp329Glufs*40). While this is not anticipated to result in nonsense mediated decay, it is expected to disrupt the last 86 amino acids of the TGFB2 protein. This variant is not present in population databases (ExAC no frequency). This variant has not been reported in the literature in individuals with TGFB2-related conditions. This variant disrupts the C-terminus of the TGFB2 protein. Other variant(s) that disrupt this region (p.Gly331Argfs*38) have been determined to be pathogenic (Invitae). This suggests that variants that disrupt this region of the protein are likely to be causative of disease. For these reasons, this variant has been classified as Pathogenic.

NM_003238.6(TGFB2):c.986dup (p.Asp329fs)

Gene: TGFB2 (transforming growth factor beta 2; plus strand). Cytogenetic location: 1q41.
Variant type: Duplication.
Coding change: c.986dup on transcript NM_003238.6 (MANE Select); coding-DNA position 986, one base duplicated (A; older notation c.986dupA).
Protein change: p.Asp329fs; shifts the reading frame from aspartic acid 329.
Molecular consequence: frameshift variant. On other transcripts: non-coding transcript variant (2).
Genome position (GRCh38, 1-based): chr1:218,437,396, A duplicated. VCF-style (leftmost placement, unchanged base first): chr1-218437395-G-GA. GRCh37 (hg19) VCF-style: chr1-218610737-G-GA.
Other names: c.1070dup, p.Asp357fs (NM_001135599.4); short protein forms D329fs, D357fs.
Identifiers: ClinVar variation 1068936 (VCV001068936.49), dbSNP rs2102630058, ClinGen allele CA2499214543.